The following is an entry in ClinVar:

NM_006393.3(NEBL):c.2054C>T (p.Ala685Val)

Gene: NEBL (nebulette; minus strand). Cytogenetic location: 10p12.31.
Variant type: single nucleotide variant.
Coding change: c.2054C>T on transcript NM_006393.3 (MANE Select); coding-DNA position 2054, C replaced by T.
Protein change: p.Ala685Val; replaces alanine 685 with valine.
Molecular consequence: missense variant. On other transcripts: intron variant (9).
Genome position (GRCh38, 1-based): chr10:20,819,425, G>A on the plus strand (C>T on the coding strand, the complement: NEBL is on the minus strand). VCF-style: chr10-20819425-G-A. GRCh37 (hg19) VCF-style: chr10-21108354-G-A.
Other names: c.250-6485C>T (NM_001377326.1, NM_001377327.1, NM_001377328.1); c.358-6485C>T (NM_213569.2, NM_001173484.2, NM_001377322.1); c.301-6485C>T (NM_001377324.1); c.292-6485C>T (NM_001377325.1); c.310-6485C>T (NM_001377323.1); short protein forms A685V.
Identifiers: ClinVar variation 227732 (VCV000227732.18), dbSNP rs146218038, ClinGen allele CA5432633.
Genomic context (GRCh38, chr10:20,819,425, plus strand): 5'-TTTTTAAATAAAAATATGTTATGTTTGAGAAAATATAAAAGGAAACAGAAACGACTTGCC[G>A]CACTCAGCTGCTCCTGGTTTCGCCTCACTCTCTCTATCTCCGGGGTCATGCTTACCGGAG-3'
Protein context (NP_006384.1, residues 675-695): RVRRNQEQLS[Ala685Val]VKYKGELQRG

ClinVar aggregate classification (germline): Benign/Likely benign. Review status: criteria provided, multiple submitters, no conflicts (2 of 4 stars). 4 submissions from 4 submitters: Benign (1); Likely benign (2). 1 of the submissions does not count toward it. Last evaluated 2025-12-03.

Conditions:
NEBL-related disorder. Also called: NEBL-related condition.
Primary dilated cardiomyopathy (DCM). Also called: Dilated Cardiomyopathy. Identifiers: Orphanet 217604, MedGen C0007193, MeSH D002311, MONDO:0005021, HP:0001644. Inheritance: Various modes of inheritance.

Allele frequency attached by ClinVar (database versions not stated): gnomAD 0.00050 and 0.00051; ExAC 0.00030; TOPMed 0.00045; 1000 Genomes Project 30x 0.00047; ESP Exome Variant Server 0.00054; 1000 Genomes Project 0.00060; gnomAD exomes 0.00013 and 0.00030.
gnomAD v4.1: 264 of 1,613,950 alleles (0.016%); highest among the groups gnomAD compares: African/African-American, 0.1%; no homozygotes.

Submissions (4):

Labcorp Genetics (formerly Invitae), Labcorp
Classification: Likely benign for Primary dilated cardiomyopathy. Last evaluated: 2025-12-03. Review status: criteria provided, single submitter. Criteria: Invitae Variant Classification Sherloc (09022015). Collection method: clinical testing. Allele origin: germline.

GeneDx
Classification: Likely benign. Last evaluated: 2019-06-18. Review status: criteria provided, single submitter. Criteria: GeneDx Variant Classification Process June 2021. Collection method: clinical testing. Allele origin: germline. Affected: yes.

Laboratory for Molecular Medicine, Mass General Brigham Personalized Medicine
Classification: Benign. Last evaluated: 2017-11-22. Review status: criteria provided, single submitter. Criteria: LMM Criteria. Collection method: clinical testing. Allele origin: germline. Observed: 2 variant alleles.
Comment: p.Ala685Val in exon 20 of NEBL: This variant is not expected to have clinical si gnificance due to a lack of conservation across species, including mammals. Of note, orangutan, Chinese tree shrew, naked mole rat and rabbit have a valine (Va l) at this position despite high nearby amino acid conservation. In addition, co mputational prediction tools do not suggest a high likelihood of impact to the p rotein. In addition, this variant has been identified in 0.2% (55/25788) of Eur opean chromosomes by the Genome Aggregation Database (gnomAD; dbSNP rs146218038). BA1, BP4

PreventionGenetics, part of Exact Sciences
Classification: Likely benign for NEBL-related condition. Last evaluated: 2024-09-04. Review status: no assertion criteria provided. Collection method: clinical testing. Allele origin: germline. Not counted in ClinVar's aggregate classification.
Comment: This variant is classified as likely benign based on ACMG/AMP sequence variant interpretation guidelines (Richards et al. 2015 PMID: 25741868, with internal and published modifications).